The following is an entry in ClinVar:

NM_001794.5(CDH4):c.2664C>T (p.Ser888=)

Gene: CDH4 (cadherin 4; plus strand). Cytogenetic location: 20q13.33.
Variant type: single nucleotide variant.
Coding change: c.2664C>T on transcript NM_001794.5 (MANE Select); coding-DNA position 2664, C replaced by T.
Protein change: p.Ser888=; no amino-acid change (serine 888 retained).
Molecular consequence: synonymous variant.
Genome position (GRCh38, 1-based): chr20:61,936,856, C>T. VCF-style: chr20-61936856-C-T. GRCh37 (hg19) VCF-style: chr20-60511914-C-T.
Other names: c.2553C>T, p.Ser851= (NM_001252338.2); c.2442C>T, p.Ser814= (NM_001252339.3).
Identifiers: ClinVar variation 3034338 (VCV003034338.2), dbSNP rs376844208, ClinGen allele CA9935230.

ClinVar aggregate classification (germline): Likely benign (0 of 4 stars; one submission).

Conditions:
CDH4-related disorder. Also called: CDH4-related condition.

Allele frequency attached by ClinVar (database versions not stated): ESP Exome Variant Server 0.00015.
gnomAD v4.1: 100 of 1,607,890 alleles (0.0062%); highest among the groups gnomAD compares: African/African-American, 0.095%; 1 homozygote.

Submission:

PreventionGenetics, part of Exact Sciences
Classification: Likely benign for CDH4-related condition. Last evaluated: 2019-06-17. Review status: no assertion criteria provided. Collection method: clinical testing. Allele origin: germline.
Comment: This variant is classified as likely benign based on ACMG/AMP sequence variant interpretation guidelines (Richards et al. 2015 PMID: 25741868, with internal and published modifications).